The following is an entry in ClinVar:

NM_170665.4(ATP2A2):c.2556A>C (p.Ala852=)

Genes: ATP2A2 (ATPase sarcoplasmic/endoplasmic reticulum Ca2+ transporting 2; plus strand), LOC126861638 (MED14-independent group 3 enhancer GRCh37_chr12:110782389-110783588; plus strand). Cytogenetic location: 12q24.11.
Variant type: single nucleotide variant.
Coding change: c.2556A>C on transcript NM_170665.4 (MANE Select); coding-DNA position 2556, A replaced by C.
Protein change: p.Ala852=; no amino-acid change (alanine 852 retained).
Molecular consequence: synonymous variant.
Genome position (GRCh38, 1-based): chr12:110,344,920, A>C. VCF-style: chr12-110344920-A-C. GRCh37 (hg19) VCF-style: chr12-110782725-A-C.
Other names: c.2556A>C, p.Ala852= (NM_001681.4).
Identifiers: ClinVar variation 307182 (VCV000307182.12), dbSNP rs201414100, ClinGen allele CA6784152.

ClinVar aggregate classification (germline): Likely benign. Review status: criteria provided, multiple submitters, no conflicts (2 of 4 stars). 2 submissions from 2 submitters: Likely benign (2). Last evaluated 2025-04-18.

Conditions:
Keratosis follicularis (DAR). Also called: Darier disease; Darier's disease. Identifiers: Orphanet 218, MedGen C0022595, MONDO:0007417, OMIM 124200.

Allele frequency attached by ClinVar (database versions not stated): gnomAD 0.00006; TOPMed 0.00006; 1000 Genomes Project 30x 0.00031.
gnomAD v4.1: 226 of 1,614,098 alleles (0.014%); highest among the groups gnomAD compares: Non-Finnish European, 0.018%; no homozygotes.

Submissions (2):

Labcorp Genetics (formerly Invitae), Labcorp
Classification: Likely benign. Last evaluated: 2025-04-18. Review status: criteria provided, single submitter. Criteria: Invitae Variant Classification Sherloc (09022015). Collection method: clinical testing. Allele origin: germline.

Illumina Laboratory Services, Illumina
Classification: Likely benign for Keratosis follicularis. Last evaluated: 2018-01-13. Review status: criteria provided, single submitter. Criteria: ICSL Variant Classification Criteria 13 December 2019. Collection method: clinical testing. Allele origin: germline.
Comment: This variant was observed in the ICSL laboratory as part of a predisposition screen in an ostensibly healthy population. It had not been previously curated by ICSL or reported in the Human Gene Mutation Database (HGMD: prior to June 1st, 2018), and was therefore a candidate for classification through an automated scoring system. Utilizing variant allele frequency, disease prevalence and penetrance estimates, and inheritance mode, an automated score was calculated to assess if this variant is too frequent to cause the disease. Based on the score and internal cut-off values, a variant classified as likely benign is not then subjected to further curation. The score for this variant resulted in a classification of likely benign for this disease.